The following is an entry in ClinVar:

NM_000165.5(GJA1):c.718_719delinsAA (p.Val240Asn)

Gene: GJA1 (gap junction protein alpha 1; plus strand). Cytogenetic location: 6q22.31.
Variant type: Indel.
Coding change: c.718_719delinsAA on transcript NM_000165.5 (MANE Select); coding-DNA positions 718 to 719, GT replaced by AA.
Protein change: p.Val240Asn; replaces valine 240 with asparagine.
Molecular consequence: missense variant.
Genome position (GRCh38, 1-based): chr6:121,447,565-121,447,566, GT replaced by AA. VCF-style: chr6-121447565-GT-AA. GRCh37 (hg19) VCF-style: chr6-121768711-GT-AA.
Other names: c.718_719delinsAA (NM_000165.4); short protein forms V240N.
Identifiers: ClinVar variation 1300725 (VCV001300725.10), dbSNP rs2114284069, ClinGen allele CA2573052572.

ClinVar aggregate classification (germline): Uncertain significance. Review status: criteria provided, multiple submitters, no conflicts (2 of 4 stars). 3 submissions from 3 submitters: Uncertain significance (3). Last evaluated 2026-03-19.

Conditions:
GJA1-related disorder. Also called: GJA1-related condition.
Oculodentodigital dysplasia, autosomal recessive. Also called: OCULODENTOOSSEOUS DYSPLASIA, AUTOSOMAL RECESSIVE; ODDD, AUTOSOMAL RECESSIVE; ODOD, AUTOSOMAL RECESSIVE. Identifiers: Orphanet 2710, MedGen C2749477, MONDO:0009768, OMIM 257850.

Submissions (3):

PreventionGenetics, part of Exact Sciences
Classification: Uncertain significance for GJA1-related condition. Last evaluated: 2026-03-19. Review status: criteria provided, single submitter. Criteria: ACMG Guidelines, 2015. Collection method: clinical testing. Allele origin: germline.
Comment: The GJA1 c.718_719delinsAA variant is predicted to result in an in-frame deletion and insertion. To our knowledge, this variant has not been reported in the literature or in a large population database (gnomAD), indicating this variant is rare. At this time, the clinical significance of this variant is uncertain due to the absence of conclusive functional and genetic evidence.

Labcorp Genetics (formerly Invitae), Labcorp
Classification: Uncertain significance for Oculodentodigital dysplasia, autosomal recessive. Last evaluated: 2021-07-26. Review status: criteria provided, single submitter. Criteria: Invitae Variant Classification Sherloc (09022015). Collection method: clinical testing. Allele origin: germline.
Comment: In summary, the available evidence is currently insufficient to determine the role of this variant in disease. Therefore, it has been classified as a Variant of Uncertain Significance. Algorithms developed to predict the effect of missense changes on protein structure and function are either unavailable or do not agree on the potential impact of this missense change (SIFT: "Not Available"; PolyPhen-2: "Benign"; Align-GVGD: "Not Available"). This variant has not been reported in the literature in individuals affected with GJA1-related conditions. The frequency data for this variant in the population databases is not available, as this variant may be reported as separate entries in the ExAC database. This sequence change replaces valine with asparagine at codon 240 of the GJA1 protein (p.Val240Asn). The valine residue is highly conserved and there is a moderate physicochemical difference between valine and asparagine.

GeneDx
Classification: Uncertain significance. Last evaluated: 2021-04-09. Review status: criteria provided, single submitter. Criteria: GeneDx Variant Classification Process June 2021. Collection method: clinical testing. Allele origin: germline. Affected: yes.
Comment: In silico analysis supports that this variant does not alter protein structure/function; Has not been previously published as pathogenic or benign to our knowledge